The following is an entry in ClinVar:

ClinVar aggregate classification (germline): Pathogenic/Likely pathogenic. Review status: criteria provided, multiple submitters, no conflicts (2 of 4 stars). 6 submissions from 6 submitters: Pathogenic (4); Likely pathogenic (2). Last evaluated 2025-04-09.

Conditions:
X-linked Alport syndrome (ATS1). Also called: NEPHROPATHY AND DEAFNESS, X-LINKED; COL4A5-Related Nephropathy. Identifiers: Orphanet 63, Orphanet 88917, MedGen C4746986, MONDO:0010520, OMIM 301050.

Submissions (6):

Victorian Clinical Genetics Services, Murdoch Childrens Research Institute
Classification: Pathogenic for X-linked Alport syndrome. Last evaluated: 2025-04-09. Review status: criteria provided, single submitter. Criteria: ACMG Guidelines, 2015. Collection method: clinical testing. Allele origin: germline. Affected: yes.
Comment: This variant is classified as Pathogenic. Evidence in support of pathogenic classification: Variant is absent from gnomAD (v2, v3 and v4); This variant has strong previous evidence of pathogenicity in unrelated individuals. This variant has been classified as pathogenic and likely pathogenic by clinical laboratories in ClinVar; Another missense variant comparable to the one identified in this case has limited previous evidence for pathogenicity. p.(Gly675Asp) has been classified as likely pathogenic by a clinical laboratory in ClinVar; Variant is located in the well-established triple helical G-X-Y repeat region and affects a glycine residue (DECIPHER); Missense variant predicted to be damaging by in silico tool(s) or highly conserved with a major amino acid change. Additional information: Variant is predicted to result in a missense amino acid change from glycine to serine; This variant is heterozygous; This gene is associated with X-linked dominant disease. Males are typically more severely affected than females (PMID: 19965530); Dominant negative and loss of function are known mechanisms of disease in this gene and are associated with X-linked Alport syndrome 1 (MIM#301050). Dominant negative is caused mostly by glycine substitutions that affect the conformation of the protein, and loss of function can be caused by either protein truncating or missense variants (PMID: 24046192, 12028435); Variants in this gene are known to have variable expressivity. There is intrafamilial variability among affected carrier females, possibly due to variable X-inactivation (PMID: 14514738); Inheritance information for this variant is not currently available in this individual.

CeGaT Center for Human Genetics Tuebingen
Classification: Pathogenic. Last evaluated: 2024-11-01. Review status: criteria provided, single submitter. Criteria: CeGaT Center For Human Genetics Tuebingen Variant Classification Criteria Version 2. Collection method: clinical testing. Allele origin: germline. Affected: yes. Observed: 2 variant alleles.
Comment: COL4A5: PM1:Strong, PM2, PM5, PS4:Moderate

Women's Health and Genetics/Laboratory Corporation of America, LabCorp
Classification: Likely pathogenic for X-linked Alport syndrome. Last evaluated: 2024-05-03. Review status: criteria provided, single submitter. Criteria: LabCorp Variant Classification Summary - May 2015. Collection method: clinical testing. Allele origin: germline.
Comment: Variant summary: COL4A5 c.2023G>A (p.Gly675Ser) results in a non-conservative amino acid change located in the triple helical region of the encoded protein sequence. Five of five in-silico tools predict a damaging effect of the variant on protein function. The variant was absent in 179834 control chromosomes. c.2023G>A has been reported in the literature in individuals affected with Alport Syndrome, and Chronic Kidney Disease (examples: Nagel_2005, Boeckhaus_2020, Popp_2022, Demir_2022, Di_2022). These data indicate that the variant is likely to be associated with disease. Using a Split-Luciferase-Based trimer formation assay one publication reported experimental evidence that this variant disrupts normal function of the protein (example: Omachi_2018). The following publications have been ascertained in the context of this evaluation (PMID: 33040356, 36588757, 35020912, 15954103, 29526710, 36100708). ClinVar contains an entry for this variant (Variation ID: 1508138). Based on the evidence outlined above, the variant was classified as likely pathogenic.

Labcorp Genetics (formerly Invitae), Labcorp
Classification: Pathogenic. Last evaluated: 2024-05-01. Review status: criteria provided, single submitter. Criteria: Invitae Variant Classification Sherloc (09022015). Collection method: clinical testing. Allele origin: germline.
Comment: This sequence change replaces glycine, which is neutral and non-polar, with serine, which is neutral and polar, at codon 675 of the COL4A5 protein (p.Gly675Ser). This variant is not present in population databases (gnomAD no frequency). This missense change has been observed in individuals with Alport syndrome and/or COL4A5-related conditions (PMID: 15954103, 33040356, 36100708, 36588757). ClinVar contains an entry for this variant (Variation ID: 1508138). Advanced modeling of protein sequence and biophysical properties (such as structural, functional, and spatial information, amino acid conservation, physicochemical variation, residue mobility, and thermodynamic stability) performed at Invitae indicates that this missense variant is expected to disrupt COL4A5 protein function with a positive predictive value of 95%. This variant disrupts the triple helix domain of COL4A5. Glycine residues within the Gly-Xaa-Yaa repeats of the triple helix domain are required for the structure and stability of fibrillar collagens (PMID: 7695699, 8218237, 19344236). In COL4A5, missense variants at these glycine residues are significantly enriched in individuals with disease (PMID: 23720012, 27627812) compared to the general population (ExAC). For these reasons, this variant has been classified as Pathogenic.

Fulgent Genetics
Classification: Likely pathogenic for X-linked Alport syndrome. Last evaluated: 2024-02-10. Review status: criteria provided, single submitter. Criteria: ACMG Guidelines, 2015. Collection method: clinical testing. Allele origin: germline.

Clinical Genetics Service, Universitary Hospital 12 de Octubre
Classification: Pathogenic for X-linked Alport syndrome. Review status: criteria provided, single submitter. Criteria: ACMG Guidelines, 2015. Collection method: clinical testing. Allele origin: germline. Affected: yes.

Literature cited by the submitters: PubMed 19965530 (cited by Victorian Clinical Genetics Services, Murdoch Childrens Research Institute); PubMed 24046192 (cited by Victorian Clinical Genetics Services, Murdoch Childrens Research Institute); PubMed 12028435 (cited by Victorian Clinical Genetics Services, Murdoch Childrens Research Institute); PubMed 14514738 (cited by Victorian Clinical Genetics Services, Murdoch Childrens Research Institute); PubMed 15954103 (cited by Women's Health and Genetics/Laboratory Corporation of America, LabCorp and Labcorp Genetics (formerly Invitae), Labcorp); PubMed 33040356 (cited by Women's Health and Genetics/Laboratory Corporation of America, LabCorp and Labcorp Genetics (formerly Invitae), Labcorp); PubMed 36100708 (cited by Women's Health and Genetics/Laboratory Corporation of America, LabCorp and Labcorp Genetics (formerly Invitae), Labcorp); PubMed 36588757 (cited by Women's Health and Genetics/Laboratory Corporation of America, LabCorp and Labcorp Genetics (formerly Invitae), Labcorp); PubMed 35020912 (cited by Women's Health and Genetics/Laboratory Corporation of America, LabCorp); PubMed 29526710 (cited by Women's Health and Genetics/Laboratory Corporation of America, LabCorp); PubMed 7695699 (cited by Labcorp Genetics (formerly Invitae), Labcorp); PubMed 8218237 (cited by Labcorp Genetics (formerly Invitae), Labcorp); PubMed 19344236 (cited by Labcorp Genetics (formerly Invitae), Labcorp); PubMed 23720012 (cited by Labcorp Genetics (formerly Invitae), Labcorp); PubMed 27627812 (cited by Labcorp Genetics (formerly Invitae), Labcorp).

NM_033380.3(COL4A5):c.2023G>A (p.Gly675Ser)

Gene: COL4A5 (collagen type IV alpha 5 chain; plus strand). Cytogenetic location: Xq22.3.
Variant type: single nucleotide variant.
Coding change: c.2023G>A on transcript NM_033380.3 (MANE Select); coding-DNA position 2023, G replaced by A.
Protein change: p.Gly675Ser; replaces glycine 675 with serine.
Molecular consequence: missense variant.
Genome position (GRCh38, 1-based): chrX:108,601,467, G>A. VCF-style: chrX-108601467-G-A. GRCh37 (hg19) VCF-style: chrX-107844697-G-A.
Other names: c.2023G>A, p.Gly675Ser (NM_000495.5); short protein forms G675S.
Identifiers: ClinVar variation 1508138 (VCV001508138.24), dbSNP rs104886157, ClinGen allele CA258595.